The following is an entry in ClinVar:

ClinVar aggregate classification (germline): Likely benign. Review status: criteria provided, single submitter (1 of 4 stars). 2 submissions from 2 submitters: Likely benign (1). 1 of the submissions does not count toward it. Last evaluated 2026-08-01.

Conditions:
Rhd, weak d, type I. Identifiers: MedGen C4015920.

Allele frequency attached by ClinVar (database versions not stated): 1000 Genomes Project 0.00120; gnomAD 0.00244 and 0.00257; gnomAD exomes 0.00254 and 0.00400; 1000 Genomes Project 30x 0.00156; ExAC 0.00291.
gnomAD v4.1: 5,226 of 1,368,616 alleles (0.38%); highest among the groups gnomAD compares: Non-Finnish European, 0.49%; 1,434 homozygotes.

Submissions (2):

CeGaT Center for Human Genetics Tuebingen
Classification: Likely benign. Last evaluated: 2026-08-01. Review status: criteria provided, single submitter. Criteria: CeGaT Center For Human Genetics Tuebingen Variant Classification Criteria Version 2. Collection method: clinical testing. Allele origin: germline. Affected: yes. Observed: 4 variant alleles.
Comment: RHD: BP4, BS2

OMIM
Classification: Pathogenic for RHD, WEAK D, TYPE I. Last evaluated: 1999-01-01. Review status: no assertion criteria provided. Collection method: literature only. Allele origin: germline. Not counted in ClinVar's aggregate classification.

Literature cited by the submitters: PubMed 9864185 (cited by OMIM).

NM_016124.6(RHD):c.809T>G (p.Val270Gly)

Genes: RHD (Rh blood group D antigen; plus strand), RSRP1 (arginine and serine rich protein 1; minus strand). Cytogenetic location: 1p36.11.
Variant type: single nucleotide variant.
Coding change: c.809T>G on transcript NM_016124.6 (MANE Select); coding-DNA position 809, T replaced by G.
Protein change: p.Val270Gly; replaces valine 270 with glycine.
Molecular consequence: missense variant. On other transcripts: non-coding transcript variant (4), intron variant (1).
Genome position (GRCh38, 1-based): chr1:25,303,329, T>G. VCF-style: chr1-25303329-T-G. GRCh37 (hg19) VCF-style: chr1-25629820-T-G.
Other names: c.809T>G, p.Val270Gly (NM_001127691.3, NM_001282868.1, NM_001282869.2 and 3 more transcripts); c.311T>G, p.Val104Gly (NM_001282867.1); c.-67+33711A>C (NM_001321772.2); short protein forms V270G, V104G.
Identifiers: ClinVar variation 17713 (VCV000017713.16), dbSNP rs121912763, ClinGen allele CA127336.